The following is an entry in ClinVar:

NM_000038.6(APC):c.8440_8448del (p.Lys2814_Arg2816del)

Gene: APC (APC regulator of Wnt signaling pathway; plus strand). Cytogenetic location: 5q22.2.
Variant type: Deletion.
Coding change: c.8440_8448del on transcript NM_000038.6 (MANE Select); coding-DNA positions 8440 to 8448, 9 bases deleted (AAGAAGCGA; older notation c.8440_8448delAAGAAGCGA).
Protein change: p.Lys2814_Arg2816del.
Molecular consequence: inframe deletion. On other transcripts: inframe indel (20).
Genome position (GRCh38, 1-based): chr5:112,844,034-112,844,042, AAGAAGCGA deleted; deleting any 9 consecutive bases within chr5:112,844,033-112,844,042 gives the same sequence; the c. name uses the placement nearest the transcript's 3' end. VCF-style (leftmost placement, unchanged base first): chr5-112844032-CAAAGAAGCG-C. GRCh37 (hg19) VCF-style: chr5-112179729-CAAAGAAGCG-C.
Other names: c.8440_8448del, p.Lys2814_Arg2816del (NM_001127510.3, NM_001354895.2); c.8386_8394del, p.Lys2796_Arg2798del (NM_001127511.3); c.8494_8502del, p.Lys2832_Arg2834del (NM_001354896.2); c.8470_8478del, p.Lys2824_Arg2826del (NM_001354897.2); c.8365_8373del, p.Lys2789_Arg2791del (NM_001354898.2); c.8356_8364del, p.Lys2786_Arg2788del (NM_001354899.2); c.8317_8325del, p.Lys2773_Arg2775del (NM_001354900.2); c.8263_8271del, p.Lys2755_Arg2757del (NM_001354901.2); and 16 more.
Identifiers: ClinVar variation 2123997 (VCV002123997.4), dbSNP rs2533868291, ClinGen allele CA2580072479.

ClinVar aggregate classification (germline): Uncertain significance (1 of 4 stars; one submission).

Conditions:
Familial adenomatous polyposis 1 (FAP1). Also called: POLYPOSIS, ADENOMATOUS INTESTINAL; FAMILIAL ADENOMATOUS POLYPOSIS 1, ATTENUATED. Identifiers: MedGen C2713442, MONDO:0021056, OMIM 175100. Disease mechanism: loss of function.

Submission:

Labcorp Genetics (formerly Invitae), Labcorp
Classification: Uncertain significance for Familial adenomatous polyposis 1. Last evaluated: 2022-04-10. Review status: criteria provided, single submitter. Criteria: Invitae Variant Classification Sherloc (09022015). Collection method: clinical testing. Allele origin: germline.
Comment: In summary, the available evidence is currently insufficient to determine the role of this variant in disease. Therefore, it has been classified as a Variant of Uncertain Significance. This variant, c.8440_8448del, results in the deletion of 3 amino acid(s) of the APC protein (p.Lys2814_Arg2816del), but otherwise preserves the integrity of the reading frame. This variant is not present in population databases (gnomAD no frequency). This variant has not been reported in the literature in individuals affected with APC-related conditions. Experimental studies and prediction algorithms are not available or were not evaluated, and the functional significance of this variant is currently unknown.